The following is an entry in ClinVar:

NM_001232.4(CASQ2):c.114C>T (p.Ser38=)

Gene: CASQ2 (calsequestrin 2; minus strand). Cytogenetic location: 1p13.1.
Variant type: single nucleotide variant.
Coding change: c.114C>T on transcript NM_001232.4 (MANE Select); coding-DNA position 114, C replaced by T.
Protein change: p.Ser38=; no amino-acid change (serine 38 retained).
Molecular consequence: synonymous variant.
Genome position (GRCh38, 1-based): chr1:115,768,428, G>A on the plus strand (C>T on the coding strand, the complement: CASQ2 is on the minus strand). VCF-style: chr1-115768428-G-A. GRCh37 (hg19) VCF-style: chr1-116311049-G-A.
Identifiers: ClinVar variation 1602198 (VCV001602198.35), dbSNP rs571353035, ClinGen allele CA29625200.

ClinVar aggregate classification (germline): Likely benign. Review status: criteria provided, multiple submitters, no conflicts (2 of 4 stars). 5 submissions from 5 submitters: Likely benign (5). Last evaluated 2025-10-10.

Conditions:
Cardiovascular phenotype. Identifiers: MedGen CN230736.
Catecholaminergic polymorphic ventricular tachycardia 1. Also called: VENTRICULAR TACHYCARDIA, STRESS-INDUCED POLYMORPHIC 1; VENTRICULAR TACHYCARDIA, CATECHOLAMINERGIC POLYMORPHIC, 1, WITH OR WITHOUT ATRIAL DYSFUNCTION AND/OR DILATED CARDIOMYOPATHY; RYR2-Related Catecholaminergic Polymorphic Ventricular Tachycardia. Identifiers: Orphanet 3286, MedGen C1631597, MONDO:0011484, OMIM 604772.
Catecholaminergic polymorphic ventricular tachycardia 2. Also called: VENTRICULAR TACHYCARDIA, STRESS-INDUCED POLYMORPHIC 2; CASQ2-Related Catecholaminergic Polymorphic Ventricular Tachycardia. Identifiers: Orphanet 3286, MedGen C2677794, MONDO:0012762, OMIM 611938.

Allele frequency attached by ClinVar (database versions not stated): TOPMed 0.00001; gnomAD 0.00002; gnomAD exomes 0.00002 and 0.00003.
gnomAD v4.1: 36 of 1,613,412 alleles (0.0022%); highest among the groups gnomAD compares: Admixed American, 0.005%; no homozygotes.

Submissions (5):

Labcorp Genetics (formerly Invitae), Labcorp
Classification: Likely benign for Catecholaminergic polymorphic ventricular tachycardia 1. Last evaluated: 2025-10-10. Review status: criteria provided, single submitter. Criteria: Invitae Variant Classification Sherloc (09022015). Collection method: clinical testing. Allele origin: germline.

Blueprint Genetics
Classification: Likely benign. Last evaluated: 2024-03-19. Review status: criteria provided, single submitter. Criteria: ACMG Guidelines, 2015. Collection method: clinical testing. Allele origin: germline.

CeGaT Center for Human Genetics Tuebingen
Classification: Likely benign. Last evaluated: 2023-11-01. Review status: criteria provided, single submitter. Criteria: CeGaT Center For Human Genetics Tuebingen Variant Classification Criteria Version 2. Collection method: clinical testing. Allele origin: germline. Affected: yes. Observed: 2 variant alleles.
Comment: CASQ2: BP4, BP7

Genome-Nilou Lab
Classification: Likely benign for Catecholaminergic polymorphic ventricular tachycardia 2. Last evaluated: 2023-04-11. Review status: criteria provided, single submitter. Criteria: ACMG Guidelines, 2015. Collection method: clinical testing. Allele origin: germline. Affected: no.

Ambry Genetics
Classification: Likely benign for Cardiovascular phenotype. Last evaluated: 2019-12-26. Review status: criteria provided, single submitter. Criteria: Ambry Variant Classification Scheme 2023. Collection method: clinical testing. Allele origin: germline.